The following is an entry in ClinVar:

ClinVar aggregate classification (germline): Pathogenic (1 of 4 stars; one submission).

Conditions:
Osteogenesis imperfecta type III (OI3). Also called: Osteogenesis imperfecta type 3; OI type 3; Osteogenesis imperfecta, progressively deforming with normal sclerae; OI type III; Progressively Deforming Osteogenesis Imperfecta. Identifiers: Orphanet 216812, Orphanet 666, MedGen C0268362, MONDO:0009804, OMIM 259420.

Submission:

Laboratory of Genetic Skeletal Anomaly, Seoul National University Children's Hospital
Classification: Pathogenic for Osteogenesis imperfecta type III. Last evaluated: 2025-03-01. Review status: criteria provided, single submitter. Criteria: ACMG Guidelines, 2015. Collection method: research. Allele origin: germline. Affected: yes.
Comment: This variant is a novel variant not previously reported in the literature or population databases. It was classified based on available in silico predictions and absence from gnomAD.

NM_021939.4(FKBP10):c.1237_1241dup (p.Gln415fs)

Gene: FKBP10 (FKBP prolyl isomerase 10; plus strand). Cytogenetic location: 17q21.2.
Variant type: Duplication.
Coding change: c.1237_1241dup on transcript NM_021939.4 (MANE Select); coding-DNA positions 1237 to 1241, 5 bases duplicated (GGCAC; older notation c.1237_1241dupGGCAC).
Protein change: p.Gln415fs; shifts the reading frame from glutamine 415.
Molecular consequence: frameshift variant.
Genome position (GRCh38, 1-based): chr17:41,820,442-41,820,446, GGCAC duplicated; duplicating any 5 consecutive bases within chr17:41,820,440-41,820,446 gives the same sequence; the c. name uses the placement nearest the transcript's 3' end. VCF-style (leftmost placement, unchanged base first): chr17-41820439-G-GACGGC. GRCh37 (hg19) VCF-style: chr17-39976691-G-GACGGC.
Other names: short protein forms Q415fs.
Identifiers: ClinVar variation 4280712 (VCV004280712.1).